The following is an entry in ClinVar:

NM_018979.4(WNK1):c.4723G>A (p.Val1575Met)

Gene: WNK1 (WNK lysine deficient protein kinase 1; plus strand). Cytogenetic location: 12p13.33.
Variant type: single nucleotide variant.
Coding change: c.4723G>A on transcript NM_018979.4 (MANE Select); coding-DNA position 4723, G replaced by A.
Protein change: p.Val1575Met; replaces valine 1575 with methionine.
Molecular consequence: missense variant.
Genome position (GRCh38, 1-based): chr12:885,527, G>A. VCF-style: chr12-885527-G-A. GRCh37 (hg19) VCF-style: chr12-994693-G-A.
Other names: c.5503G>A, p.Val1835Met (NM_001184985.2); c.3982G>A, p.Val1328Met (NM_014823.3); c.5479G>A, p.Val1827Met (NM_213655.5); short protein forms V1575M, V1835M, V1328M, V1827M.
Identifiers: ClinVar variation 4790838 (VCV004790838.1).
Genomic context (GRCh38, chr12:885,527, plus strand): 5'-GCAGGAGTGTCTAGTTATATTTCTCAGCCTGGTGGGCTGCATCCTTTGGTCATTCCATCA[G>A]TGATAGCTTCTACTCCTATTCTTCCCCAAGCAGCAGGACCTACTTCTACACCTTTATTAC-3'
Protein context (NP_061852.3, residues 1565-1585): GGLHPLVIPS[Val1575Met]IASTPILPQA

ClinVar aggregate classification (germline): Uncertain significance (1 of 4 stars; one submission).

Conditions:
Neuropathy, hereditary sensory and autonomic, type 2A (HSAN2A). Also called: WNK1-Related HSAN2 (HSAN2A); ACROOSTEOLYSIS, GIACCAI TYPE; ACROOSTEOLYSIS, NEUROGENIC; MORVAN DISEASE; NEUROPATHY, CONGENITAL SENSORY; NEUROPATHY, HEREDITARY SENSORY RADICULAR, AUTOSOMAL RECESSIVE. Identifiers: Orphanet 970, MedGen C2752089, MONDO:0024309, OMIM 201300.
Pseudohypoaldosteronism type 2C (PHA2C). Also called: Pseudohypoaldosteronism Type IIC. Identifiers: Orphanet 757, Orphanet 88940, MedGen C1840391, MONDO:0013778, OMIM 614492.

Submission:

Labcorp Genetics (formerly Invitae), Labcorp
Classification: Uncertain significance for Neuropathy, hereditary sensory and autonomic, type 2A; Pseudohypoaldosteronism type 2C. Last evaluated: 2025-07-29. Review status: criteria provided, single submitter. Criteria: Invitae Variant Classification Sherloc (09022015). Collection method: clinical testing. Allele origin: germline.
Comment: This sequence change replaces valine, which is neutral and non-polar, with methionine, which is neutral and non-polar, at codon 1827 of the WNK1 protein (p.Val1827Met). This variant is not present in population databases (gnomAD no frequency). This variant has not been reported in the literature in individuals affected with WNK1-related conditions. Invitae Evidence Modeling of protein sequence and biophysical properties (such as structural, functional, and spatial information, amino acid conservation, physicochemical variation, residue mobility, and thermodynamic stability) indicates that this missense variant is not expected to disrupt WNK1 protein function with a negative predictive value of 95%. In summary, the available evidence is currently insufficient to determine the role of this variant in disease. Therefore, it has been classified as a Variant of Uncertain Significance.